The following is an entry in ClinVar:

NM_007194.4(CHEK2):c.793-19G>A

Gene: CHEK2 (checkpoint kinase 2; minus strand). Cytogenetic location: 22q12.1.
Variant type: single nucleotide variant.
Coding change: c.793-19G>A on transcript NM_007194.4 (MANE Select); 19 bases into the intron before coding-DNA position 793, G replaced by A.
Molecular consequence: intron variant.
Genome position (GRCh38, 1-based): chr22:28,710,078, C>T on the plus strand (G>A on the coding strand, the complement: CHEK2 is on the minus strand). VCF-style: chr22-28710078-C-T. GRCh37 (hg19) VCF-style: chr22-29106066-C-T.
Other names: c.130-19G>A (NM_001437942.1, NM_001257387.3); c.592-19G>A (NM_001349956.3); c.793-19G>A (NM_145862.3); c.886-19G>A (NM_001438295.1, NM_001438293.1); c.922-19G>A (NM_001438294.1, NM_001005735.3).
Identifiers: ClinVar variation 3683471 (VCV003683471.3).

ClinVar aggregate classification (germline): Likely benign. Review status: criteria provided, multiple submitters, no conflicts (2 of 4 stars). 2 submissions from 2 submitters: Likely benign (2). Last evaluated 2024-12-05.

Conditions:
Familial cancer of breast. Also called: hereditary breast carcinoma; BREAST CANCER, FAMILIAL; Hereditary breast cancer. Identifiers: Orphanet 227535, MedGen C0346153, MONDO:0016419, OMIM 114480. Disease mechanism: loss of function.

gnomAD v4.1: 1 of 1,502,540 alleles (0.000067%); highest among the groups gnomAD compares: African/African-American, 0.0014%; no homozygotes.

Submissions (2):

Labcorp Genetics (formerly Invitae), Labcorp
Classification: Likely benign for Familial cancer of breast. Last evaluated: 2024-12-05. Review status: criteria provided, single submitter. Criteria: Invitae Variant Classification Sherloc (09022015). Collection method: clinical testing. Allele origin: germline.

Myriad Genetics, Inc.
Classification: Likely benign for Familial cancer of breast. Last evaluated: 2024-10-03. Review status: criteria provided, single submitter. Criteria: Myriad Autosomal Dominant, Autosomal Recessive and X-Linked Classification Criteria (2023). Collection method: clinical testing. Allele origin: unknown.
Comment: This variant is considered likely benign. This variant is intronic and is not expected to impact mRNA splicing.